The following is an entry in ClinVar:

NM_003737.4(DCHS1):c.4277T>C (p.Val1426Ala)

Gene: DCHS1 (dachsous cadherin-related 1; minus strand). Cytogenetic location: 11p15.4.
Variant type: single nucleotide variant.
Coding change: c.4277T>C on transcript NM_003737.4 (MANE Select); coding-DNA position 4277, T replaced by C.
Protein change: p.Val1426Ala; replaces valine 1426 with alanine.
Molecular consequence: missense variant.
Genome position (GRCh38, 1-based): chr11:6,630,517, A>G on the plus strand (T>C on the coding strand, the complement: DCHS1 is on the minus strand). VCF-style: chr11-6630517-A-G. GRCh37 (hg19) VCF-style: chr11-6651748-A-G.
Other names: short protein forms V1426A.
Identifiers: ClinVar variation 2633902 (VCV002633902.2), dbSNP rs1319341840, ClinGen allele CA379406405.

ClinVar aggregate classification (germline): Uncertain significance. Review status: criteria provided, multiple submitters, no conflicts (2 of 4 stars). 2 submissions from 2 submitters: Uncertain significance (2). Last evaluated 2026-01-18.

Conditions:
DCHS1-related disorder. Also called: DCHS1-related condition.

gnomAD v4.1: 3 of 1,539,058 alleles (0.00019%); highest among the groups gnomAD compares: Non-Finnish European, 0.00026%; no homozygotes.

Submissions (2):

Labcorp Genetics (formerly Invitae), Labcorp
Classification: Uncertain significance. Last evaluated: 2026-01-18. Review status: criteria provided, single submitter. Criteria: Invitae Variant Classification Sherloc (09022015). Collection method: clinical testing. Allele origin: germline.
Comment: This sequence change replaces valine, which is neutral and non-polar, with alanine, which is neutral and non-polar, at codon 1426 of the DCHS1 protein (p.Val1426Ala). The frequency data for this variant in the population databases is considered unreliable, as metrics indicate poor data quality at this position in the gnomAD database. This variant has not been reported in the literature in individuals affected with DCHS1-related conditions. ClinVar contains an entry for this variant (Variation ID: 2633902). Invitae Evidence Modeling of protein sequence and biophysical properties (such as structural, functional, and spatial information, amino acid conservation, physicochemical variation, residue mobility, and thermodynamic stability) has been performed for this missense variant. However, the output from this modeling did not meet the statistical confidence thresholds required to predict the impact of this variant on DCHS1 protein function. In summary, the available evidence is currently insufficient to determine the role of this variant in disease. Therefore, it has been classified as a Variant of Uncertain Significance.

PreventionGenetics, part of Exact Sciences
Classification: Uncertain significance for DCHS1-related condition. Last evaluated: 2023-04-10. Review status: criteria provided, single submitter. Criteria: ACMG Guidelines, 2015. Collection method: clinical testing. Allele origin: germline.
Comment: The DCHS1 c.4277T>C variant is predicted to result in the amino acid substitution p.Val1426Ala. To our knowledge, this variant has not been reported in the literature. This variant is reported in 0.0017% of alleles in individuals of European (Non-Finnish) descent in gnomAD. At this time, the clinical significance of this variant is uncertain due to the absence of conclusive functional and genetic evidence.